The following is an entry in ClinVar:

NM_000535.7(PMS2):c.537+4C>G

Gene: PMS2 (PMS1 homolog 2, mismatch repair system component; minus strand). Cytogenetic location: 7p22.1.
Variant type: single nucleotide variant.
Coding change: c.537+4C>G on transcript NM_000535.7 (MANE Select); 4 bases into the intron after coding-DNA position 537, C replaced by G.
Molecular consequence: intron variant.
Genome position (GRCh38, 1-based): chr7:6,002,449, G>C on the plus strand (C>G on the coding strand, the complement: PMS2 is on the minus strand). VCF-style: chr7-6002449-G-C. GRCh37 (hg19) VCF-style: chr7-6042080-G-C.
Other names: c.219+4C>G (NM_001322008.2, NM_001322007.2); c.132+4C>G (NM_001322010.2, NM_001322004.2, NM_001322013.2 and 3 more transcripts); c.-348+4C>G (NM_001322012.2, NM_001322011.2); c.228+4C>G (NM_001322015.2); c.537+4C>G (NM_001322006.2, NM_001322014.2).
Identifiers: ClinVar variation 219843 (VCV000219843.14), dbSNP rs864622272, ClinGen allele CA349512.

ClinVar aggregate classification (germline): Conflicting classifications of pathogenicity. Review status: criteria provided, conflicting classifications (1 of 4 stars). 3 submissions from 3 submitters: Uncertain significance (2); Likely benign (1). Last evaluated 2026-01-21.

Conditions:
Hereditary nonpolyposis colorectal neoplasms. Identifiers: MedGen C0009405, MeSH D003123.
Hereditary cancer-predisposing syndrome. Also called: Hereditary neoplastic syndrome; Tumor predisposition; Hereditary Cancer Syndrome; Neoplastic Syndromes, Hereditary. Identifiers: Orphanet 140162, MedGen C0027672, MeSH D009386, MONDO:0015356.

Submissions (3):

Labcorp Genetics (formerly Invitae), Labcorp
Classification: Likely benign for Hereditary nonpolyposis colorectal neoplasms. Last evaluated: 2026-01-21. Review status: criteria provided, single submitter. Criteria: Invitae Variant Classification Sherloc (09022015). Collection method: clinical testing. Allele origin: germline.

Ambry Genetics
Classification: Uncertain significance for Hereditary cancer-predisposing syndrome. Last evaluated: 2024-11-19. Review status: criteria provided, single submitter. Criteria: Ambry Variant Classification Scheme 2023. Collection method: clinical testing. Allele origin: germline.
Comment: The c.537+4C>G intronic variant results from a C to G substitution 4 nucleotides after coding exon 5 in the PMS2 gene. This nucleotide position is not well conserved in available vertebrate species. In silico splice site analysis predicts that this alteration will not have any significant effect on splicing. Based on the available evidence, the clinical significance of this variant remains unclear.

Color Diagnostics, LLC DBA Color Health
Classification: Uncertain significance for Hereditary cancer-predisposing syndrome. Last evaluated: 2018-08-31. Review status: criteria provided, single submitter. Criteria: ACMG Guidelines, 2015. Collection method: clinical testing. Allele origin: germline.